The following is an entry in ClinVar:

NM_000020.3(ACVRL1):c.625+4del

Gene: ACVRL1 (activin A receptor like type 1; plus strand). Cytogenetic location: 12q13.13.
Variant type: Deletion.
Coding change: c.625+4del on transcript NM_000020.3 (MANE Select); 4 bases into the intron after coding-DNA position 625, one base deleted (A; older notation c.625+4delA).
Molecular consequence: intron variant.
Genome position (GRCh38, 1-based): chr12:51,914,077, A deleted. VCF-style (leftmost placement, unchanged base first): chr12-51914076-GA-G. GRCh37 (hg19) VCF-style: chr12-52307860-GA-G.
Other names: c.62-362del (NM_001406495.1); c.625+4del (NM_001406489.1, NM_001406487.1, NM_001406488.1 and 1 more transcripts); c.314-362del (NM_001406493.1, NM_001406491.1, NM_001406490.1 and 2 more transcripts).
Identifiers: ClinVar variation 2694438 (VCV002694438.3), dbSNP rs2540161740, ClinGen allele CA2697559270.

ClinVar aggregate classification (germline): Uncertain significance (1 of 4 stars; one submission).

Conditions:
Telangiectasia, hereditary hemorrhagic, type 2 (HHT2). Also called: Telangiectasia, hereditary hemorrhagic, type II; ACVRL1-Related Hereditary Hemorrhagic Telangiectasia. Identifiers: Orphanet 774, MedGen C1838163, MONDO:0010880, OMIM 600376. Disease mechanism: loss of function.

Submission:

Labcorp Genetics (formerly Invitae), Labcorp
Classification: Uncertain significance for Telangiectasia, hereditary hemorrhagic, type 2. Last evaluated: 2023-11-08. Review status: criteria provided, single submitter. Criteria: Invitae Variant Classification Sherloc (09022015). Collection method: clinical testing. Allele origin: germline.
Comment: This sequence change falls in intron 5 of the ACVRL1 gene. It does not directly change the encoded amino acid sequence of the ACVRL1 protein. It affects a nucleotide within the consensus splice site. This variant is not present in population databases (gnomAD no frequency). This variant has not been reported in the literature in individuals affected with ACVRL1-related conditions. Variants that disrupt the consensus splice site are a relatively common cause of aberrant splicing (PMID: 17576681, 9536098). Algorithms developed to predict the effect of sequence changes on RNA splicing suggest that this variant may disrupt the consensus splice site. In summary, the available evidence is currently insufficient to determine the role of this variant in disease. Therefore, it has been classified as a Variant of Uncertain Significance.

Literature cited by the submitters: PubMed 17576681; PubMed 9536098.